The following is an entry in ClinVar:

NM_017755.6(NSUN2):c.510G>A (p.Leu170=)

Gene: NSUN2 (NOP2/Sun RNA methyltransferase 2; minus strand). Cytogenetic location: 5p15.31.
Variant type: single nucleotide variant.
Coding change: c.510G>A on transcript NM_017755.6 (MANE Select); coding-DNA position 510, G replaced by A.
Protein change: p.Leu170=; no amino-acid change (leucine 170 retained).
Molecular consequence: synonymous variant. On other transcripts: non-coding transcript variant (1).
Genome position (GRCh38, 1-based): chr5:6,623,241, C>T on the plus strand (G>A on the coding strand, the complement: NSUN2 is on the minus strand). VCF-style: chr5-6623241-C-T. GRCh37 (hg19) VCF-style: chr5-6623354-C-T.
Other names: c.405G>A, p.Leu135= (NM_001193455.2).
Identifiers: ClinVar variation 354060 (VCV000354060.22), dbSNP rs144888290, ClinGen allele CA3192763.

ClinVar aggregate classification (germline): Benign/Likely benign. Review status: criteria provided, multiple submitters, no conflicts (2 of 4 stars). 6 submissions from 6 submitters: Benign (5); Likely benign (1). Last evaluated 2026-02-03.

Conditions:
Intellectual developmental disorder, autosomal recessive 5. Also called: Intellectual disability, autosomal recessive 5. Identifiers: Orphanet 88616, MedGen C1970199, MONDO:0012613, OMIM 611091.
Inborn genetic diseases. Identifiers: MedGen C0950123, MeSH D030342.

Allele frequency attached by ClinVar (database versions not stated): gnomAD exomes 0.00770 and 0.00220; 1000 Genomes Project 30x 0.00859; gnomAD 0.00445 and 0.00460; ExAC 0.00692; 1000 Genomes Project 0.00759; ESP Exome Variant Server 0.00077.
gnomAD v4.1: 3,921 of 1,603,058 alleles (0.24%); highest among the groups gnomAD compares: Admixed American, 4.5%; 78 homozygotes.

Submissions (6):

Labcorp Genetics (formerly Invitae), Labcorp
Classification: Benign. Last evaluated: 2026-02-03. Review status: criteria provided, single submitter. Criteria: Invitae Variant Classification Sherloc (09022015). Collection method: clinical testing. Allele origin: germline.

Fulgent Genetics
Classification: Likely benign for Intellectual developmental disorder, autosomal recessive 5. Last evaluated: 2021-08-17. Review status: criteria provided, single submitter. Criteria: ACMG Guidelines, 2015. Collection method: clinical testing. Allele origin: unknown.

GeneDx
Classification: Benign. Last evaluated: 2018-11-15. Review status: criteria provided, single submitter. Criteria: GeneDx Variant Classification Process June 2021. Collection method: clinical testing. Allele origin: germline. Affected: yes.

Illumina Laboratory Services, Illumina
Classification: Benign for Intellectual developmental disorder, autosomal recessive 5. Last evaluated: 2018-01-13. Review status: criteria provided, single submitter. Criteria: ICSL Variant Classification Criteria 13 December 2019. Collection method: clinical testing. Allele origin: germline.
Comment: This variant was observed in the ICSL laboratory as part of a predisposition screen in an ostensibly healthy population. It had not been previously curated by ICSL or reported in the Human Gene Mutation Database (HGMD: prior to June 1st, 2018), and was therefore a candidate for classification through an automated scoring system. Utilizing variant allele frequency, disease prevalence and penetrance estimates, and inheritance mode, an automated score was calculated to assess if this variant is too frequent to cause the disease. Based on the score and internal cut-off values, a variant classified as benign is not then subjected to further curation. The score for this variant resulted in a classification of benign for this disease.

Ambry Genetics
Classification: Benign for Inborn genetic diseases. Last evaluated: 2016-05-25. Review status: criteria provided, single submitter. Criteria: Ambry Variant Classification Scheme 2023. Collection method: clinical testing. Allele origin: germline.

Breakthrough Genomics
Classification: Benign. Review status: criteria provided, single submitter. Criteria: ACMG Guidelines, 2015. Collection method: not provided. Allele origin: germline. Inheritance: Autosomal recessive inheritance. Affected: yes.